The following is an entry in ClinVar:

ClinVar aggregate classification (germline): Pathogenic. Review status: criteria provided, multiple submitters, no conflicts (2 of 4 stars). 8 submissions from 8 submitters: Pathogenic (8). Last evaluated 2026-01-27.

Conditions:
NF1-related disorder. Also called: NF1-related condition. Identifiers: MedGen CN379171.
Hereditary cancer-predisposing syndrome. Also called: Hereditary Cancer Syndrome; Hereditary neoplastic syndrome; Neoplastic Syndromes, Hereditary; Tumor predisposition. Identifiers: Orphanet 140162, MedGen C0027672, MeSH D009386, MONDO:0015356.
Cardiovascular phenotype. Identifiers: MedGen CN230736.
Neurofibromatosis, type 1 (NF1). Also called: Neurofibromatosis, type I; Peripheral type neurofibromatosis; VON RECKLINGHAUSEN DISEASE; NEUROFIBROMATOSIS, TYPE I, SOMATIC. Identifiers: Orphanet 636, MedGen C0027831, MONDO:0018975, OMIM 162200. Disease mechanism: loss of function.

Submissions (8):

Labcorp Genetics (formerly Invitae), Labcorp
Classification: Pathogenic for Neurofibromatosis, type 1. Last evaluated: 2026-01-27. Review status: criteria provided, single submitter. Criteria: Invitae Variant Classification Sherloc (09022015). Collection method: clinical testing. Allele origin: germline.
Comment: This sequence change creates a premature translational stop signal (p.Gln2471*) in the NF1 gene. It is expected to result in an absent or disrupted protein product. Loss-of-function variants in NF1 are known to be pathogenic (PMID: 10712197, 23913538). This variant is not present in population databases (gnomAD no frequency). This premature translational stop signal has been observed in individuals with neurofibromatosis 1 (PMID: 12872266, 16786508, 16944272, 17426081). Invitae Evidence Modeling of clinical and family history, age, sex, and reported ancestry of multiple individuals with this NF1 variant has been performed. This variant is expected to be pathogenic with a positive predictive value of at least 99%. This is a validated machine learning model that incorporates the clinical features of 1,785,918 individuals referred to our laboratory for NF1 testing. ClinVar contains an entry for this variant (Variation ID: 439998). For these reasons, this variant has been classified as Pathogenic.

NHS Central & South Genomic Laboratory Hub
Classification: Pathogenic for Neurofibromatosis type 1. Last evaluated: 2025-04-09. Review status: criteria provided, single submitter. Criteria: ACMG Guidelines, 2015. Collection method: clinical testing. Allele origin: germline. Affected: yes.

GeneDx
Classification: Pathogenic. Last evaluated: 2024-11-06. Review status: criteria provided, single submitter. Criteria: GeneDx Variant Classification Process June 2021. Collection method: clinical testing. Allele origin: germline. Affected: yes.
Comment: Nonsense variant predicted to result in protein truncation or nonsense mediated decay in a gene for which loss of function is a known mechanism of disease; Not observed in large population cohorts (gnomAD); This variant is associated with the following publications: (PMID: 17426081, 12872266, 25525159, 16786508, 25541118, 16944272, 21278392, 31717729, 31776437)

Blueprint Genetics
Classification: Pathogenic for NF1-related disorders. Last evaluated: 2024-05-21. Review status: criteria provided, single submitter. Criteria: ACMG Guidelines, 2015. Collection method: clinical testing. Allele origin: germline. Affected: yes. Observed: 2 variant alleles.

Clinical Genetics and Genomics, Karolinska University Hospital
Classification: Pathogenic for Neurofibromatosis, type 1. Last evaluated: 2024-03-11. Review status: criteria provided, single submitter. Criteria: Strehlow et al. (Brain. 2019). Collection method: clinical testing. Allele origin: germline. Inheritance: Autosomal dominant inheritance. Affected: yes.

Ambry Genetics
Classification: Pathogenic for Cardiovascular phenotype; Hereditary cancer-predisposing syndrome. Last evaluated: 2023-11-16. Review status: criteria provided, single submitter. Criteria: Ambry Variant Classification Scheme 2023. Collection method: clinical testing. Allele origin: germline.
Comment: The p.Q2471* pathogenic mutation (also known as c.7411C>T), located in coding exon 50 of the NF1 gene, results from a C to T substitution at nucleotide position 7411. This changes the amino acid from a glutamine to a stop codon within coding exon 50. This alteration has been reported in numerous patients with a confirmed or suspected clinical diagnosis of neurofibromatosis type 1 (Origone P et al. Hum Mutat, 2003 Aug;22:179-80; Upadhyaya M et al. Hum Mutat, 2006 Jul;27:716; Bausch B et al. J Clin Endocrinol Metab, 2007 Jul;92:2784-92; Yao R et al. Genes (Basel), 2019 Oct;10:; Duat Rodr&iacute;guez A et al. An Pediatr (Barc), 2015 Sep;83:173-82; Kang E et al. J Hum Genet, 2020 Jan;65:79-89). This variant is considered to be rare based on population cohorts in the Genome Aggregation Database (gnomAD). This alteration is expected to result in loss of function by premature protein truncation or nonsense-mediated mRNA decay. As such, this alteration is interpreted as a disease-causing mutation.

Genome-Nilou Lab
Classification: Pathogenic for Neurofibromatosis, type 1. Last evaluated: 2022-03-15. Review status: criteria provided, single submitter. Criteria: ACMG Guidelines, 2015. Collection method: clinical testing. Allele origin: germline. Affected: no.

ARUP Laboratories, Molecular Genetics and Genomics, ARUP Laboratories
Classification: Pathogenic. Last evaluated: 2017-03-14. Review status: criteria provided, single submitter. Criteria: ARUP Molecular Germline Variant Investigation Process. Collection method: clinical testing. Allele origin: germline.

Literature cited by the submitters: PubMed 10712197 (cited by Labcorp Genetics (formerly Invitae), Labcorp); PubMed 23913538 (cited by Labcorp Genetics (formerly Invitae), Labcorp); PubMed 12872266 (cited by Labcorp Genetics (formerly Invitae), Labcorp); PubMed 16786508 (cited by Labcorp Genetics (formerly Invitae), Labcorp); PubMed 16944272 (cited by Labcorp Genetics (formerly Invitae), Labcorp); PubMed 17426081 (cited by Labcorp Genetics (formerly Invitae), Labcorp).

NM_001042492.3(NF1):c.7474C>T (p.Gln2492Ter)

Gene: NF1 (neurofibromin 1; plus strand). Cytogenetic location: 17q11.2.
Variant type: single nucleotide variant.
Coding change: c.7474C>T on transcript NM_001042492.3 (MANE Select); coding-DNA position 7474, C replaced by T.
Protein change: p.Gln2492Ter; replaces glutamine 2492 with a stop codon.
Molecular consequence: nonsense.
Genome position (GRCh38, 1-based): chr17:31,352,273, C>T. VCF-style: chr17-31352273-C-T. GRCh37 (hg19) VCF-style: chr17-29679291-C-T.
Other names: c.7411C>T, p.Gln2471Ter (NM_000267.4); short protein forms Q2471*, Q2492*.
Identifiers: ClinVar variation 439998 (VCV000439998.19), dbSNP rs1555536340, ClinGen allele CA399017446.
Genomic context (GRCh38, chr17:31,352,273, plus strand): 5'-GTCACCATATTAATTGATTTTTCTCTATTGTTTTCATCTTTCAGGACACTAAAGGAGACT[C>T]AGCCATGGTCCTCTCCCAAAGGTTCTGAAGGATACCTTGCAGCCACCTATCCAACTGTCG-3'